The following is an entry in ClinVar:

ClinVar aggregate classification (germline): Pathogenic. Review status: reviewed by expert panel (3 of 4 stars). 13 submissions from 13 submitters: Pathogenic (1). 12 of the submissions do not count toward it. Last evaluated 2024-08-07.

Conditions:
DNM2-related disorders.
Centronuclear myopathy (CNM). Also called: Myotubular myopathy; Centronuclear myopathy, congenital. Identifiers: Orphanet 595, MedGen C0175709, MONDO:0018947. Inheritance: All.
Autosomal dominant centronuclear myopathy. Also called: Myopathy, centronuclear, 3; MYOTUBULAR MYOPATHY, AUTOSOMAL DOMINANT. Identifiers: Orphanet 169189, MedGen C4551952, MeSH D020914, MONDO:0008048, OMIM 160150.
Charcot-Marie-Tooth disease dominant intermediate B (CMTDIB). Also called: Charcot-Marie-Tooth disease dominant intermediate 1; CMT DI1; Charcot-Marie-Tooth disease dominant intermediate I; CHARCOT-MARIE-TOOTH NEUROPATHY, DOMINANT INTERMEDIATE B. Identifiers: Orphanet 100044, Orphanet 228179, MedGen C1847902, MONDO:0011674, OMIM 606482.
Fetal akinesia-cerebral and retinal hemorrhage syndrome. Also called: Lethal congenital contracture syndrome 5; MYOPATHY, CENTRONUCLEAR, LETHAL, AUTOSOMAL RECESSIVE. Identifiers: Orphanet 363409, MedGen C4706410, MONDO:0014149, OMIM 615368.
Severe X-linked myotubular myopathy (CNMX). Also called: MYOTUBULAR MYOPATHY 1; X-linked centronuclear myopathy; Myotubular myopathy, X-linked. Identifiers: Orphanet 596, MedGen C0410203, MONDO:0010683, OMIM 310400.

Submissions (13):

ClinGen Congenital Myopathies Variant Curation Expert Panel, ClinGen
Classification: Pathogenic for Centronuclear myopathy. Last evaluated: 2024-08-07. Review status: reviewed by expert panel. Criteria: ClinGen CongenMyopathy ACMG Specifications DNM2 V1.0.0. Collection method: curation. Allele origin: germline. Inheritance: Autosomal dominant inheritance.
Comment: The c.1856C>T variant in DNM2 is a missense variant predicted to cause substitution of serine by leucine at amino acid 619. This variant is absent from gnomAD v4.1 (PM2_Supporting). The computational predictor REVEL gives a score of 0.936, which is above the threshold of 0.7, evidence that correlates with impact to DNM2 function (PP3). DNM2, in which the variant was identified, is defined by the ClinGen CM VCEP as a gene that has a low rate of benign missense variation and where pathogenic missense variants are a common mechanism of disease (PP2). The variant has been reported in at least four probands with centronuclear myopathy that was confirmed by muscle biopsy, one of which was a de novo occurrence with parental relationships confirmed (PMIDs: PMIDs:17932957, 30208955, 34595679, PS4, PS2). In vitro assays demonstrate that the p.S619L variant increases GTPase activity (PMID: 20700106), indicating that this variant impacts protein function. Additionally, a variant-specific zebrafish model (PMID: 23338057) and a variant-specific mouse model (PMID:32809972) recapitulate patient phenotypes of motor problems, early impaired muscle function and force, and myofiber hypotrophy (PS4). In summary, this variant meets the criteria to be classified as pathogenic for autosomal dominant centronuclear myopathy based on the ACMG/AMP criteria applied, as specified by the ClinGen Congenital Myopathies VCEP: PS2, PS4, PM2_Supporting, PP2, PP3. (Congenital Myopathies VCEP specifications version 1; 8/7/2024)

Labcorp Genetics (formerly Invitae), Labcorp
Classification: Pathogenic for Charcot-Marie-Tooth disease dominant intermediate B. Last evaluated: 2025-08-04. Review status: criteria provided, single submitter. Criteria: Invitae Variant Classification Sherloc (09022015). Collection method: clinical testing. Allele origin: germline. Not counted in ClinVar's aggregate classification.
Comment: This sequence change replaces serine, which is neutral and polar, with leucine, which is neutral and non-polar, at codon 619 of the DNM2 protein (p.Ser619Leu). This variant is not present in population databases (gnomAD no frequency). This missense change has been observed in individual(s) with centronuclear myopathy and is associated with severe neonatal hypotonia (PMID: 17932957, 20227276, 22396310). In at least one individual the variant was observed to be de novo. ClinVar contains an entry for this variant (Variation ID: 7285). Invitae Evidence Modeling of protein sequence and biophysical properties (such as structural, functional, and spatial information, amino acid conservation, physicochemical variation, residue mobility, and thermodynamic stability) indicates that this missense variant is expected to disrupt DNM2 protein function with a positive predictive value of 80%. Experimental studies have shown that this missense change affects DNM2 function (PMID: 20700106, 23338057, 24135484, 26199319). This variant disrupts the p.Ser619 amino acid residue in DNM2. Other variant(s) that disrupt this residue have been determined to be pathogenic (PMID: 17932957, 20700106, 22396310, 25957634). This suggests that this residue is clinically significant, and that variants that disrupt this residue are likely to be disease-causing. For these reasons, this variant has been classified as Pathogenic.

Laboratory of Genetics, Children's Clinical University Hospital Latvia
Classification: Pathogenic. Last evaluated: 2025-02-16. Review status: criteria provided, single submitter. Criteria: ACMG Guidelines, 2015. Collection method: clinical testing. Allele origin: germline. Affected: yes. Not counted in ClinVar's aggregate classification.

Rady Children's Institute for Genomic Medicine, Rady Children's Hospital San Diego
Classification: Pathogenic for DNM2-related disorders. Last evaluated: 2024-11-14. Review status: criteria provided, single submitter. Criteria: ACMG Guidelines, 2015. Collection method: clinical testing. Allele origin: germline. Affected: yes. Not counted in ClinVar's aggregate classification.
Comment: The DNM2 gene is constrained against missense variation (Z-score= 4.87), and missense variants are a common mechanism of disease (HGMD, ClinVar database; PMID: 36324371). The c.1856C>T (p.Ser619Leu) variant affects a highly conserved amino acid and is predicted by multiple in silico tools to have a deleterious effect on protein function. This variant has been previously reported as a heterozygous change in patients with centronuclear myopathy, including as a de novo change (PMID: 17932957, 30208955, 34595679). Experimental studies and animal models indicate this variant affects DNM2 function and causes disease (PMID: 20700106, 23338057, 32809972).The c.1856C>T (p.Ser619Leu) variant is absent from the latest version of the gnomAD population database and thus is presumed to be rare. Based on parental analysis, this variant likely occurred as a de novo event. Based on the available evidence, c.1856C>T (p.Ser619Leu) is classified as Pathogenic.

3billion
Classification: Pathogenic for Autosomal dominant centronuclear myopathy. Last evaluated: 2024-07-30. Review status: criteria provided, single submitter. Criteria: ACMG Guidelines, 2015. Collection method: clinical testing. Allele origin: germline. Affected: yes. Not counted in ClinVar's aggregate classification.
Comment: The variant is not observed in the gnomAD v4.0.0 dataset. Predicted Consequence/Location: Missense changes are a common disease-causing mechanism. In silico tool predictions suggest damaging effect of the variant on gene or gene product [REVEL: 0.94 (>=0.6, sensitivity 0.68 and specificity 0.92); 3Cnet: 0.99 (>=0.6, sensitivity 0.72 and precision 0.9)]. The same nucleotide change resulting in the same amino acid change has been previously reported as pathogenic/likely pathogenic with strong evidence (ClinVar ID: VCV000007285 /PMID: 17932957 /3billion dataset). The variant has been observed in multiple (>3) similarly affected unrelated individuals (PMID: 17932957, 20227276, 22396310). A different missense change at the same codon (p.Ser619Trp) has been reported to be associated with DNM2-related disorder (ClinVar ID: VCV000007286 /PMID: 17932957). Therefore, this variant is classified as Pathogenic according to the recommendation of ACMG/AMP guideline.

Fulgent Genetics
Classification: Pathogenic for Autosomal dominant centronuclear myopathy; Charcot-Marie-Tooth disease dominant intermediate B; Fetal akinesia-cerebral and retinal hemorrhage syndrome. Last evaluated: 2021-08-20. Review status: criteria provided, single submitter. Criteria: ACMG Guidelines, 2015. Collection method: clinical testing. Allele origin: unknown. Not counted in ClinVar's aggregate classification.

Blueprint Genetics
Classification: Pathogenic for DNM2-related disorders. Last evaluated: 2021-07-20. Review status: criteria provided, single submitter. Criteria: ACMG Guidelines, 2015. Collection method: clinical testing. Allele origin: germline. Affected: yes. Observed: 1 variant allele. Not counted in ClinVar's aggregate classification.

NeuroMeGen, Hospital Clinico Santiago de Compostela
Classification: Likely pathogenic for Autosomal dominant centronuclear myopathy. Last evaluated: 2018-10-08. Review status: criteria provided, single submitter. Criteria: ACMG Guidelines, 2015. Collection method: clinical testing. Allele origin: de novo. Affected: yes. Observed: 1 heterozygote. Not counted in ClinVar's aggregate classification.

Genetic Services Laboratory, University of Chicago
Classification: Pathogenic for Myopathy, centronuclear. Last evaluated: 2013-02-08. Review status: criteria provided, single submitter. Criteria: ACMG Guidelines, 2007. Collection method: clinical testing. Allele origin: germline. Inheritance: Autosomal dominant inheritance. Affected: yes. Not counted in ClinVar's aggregate classification.

CENTOGENE GmbH and LLC - Guiding Precision Medicine
Classification: Pathogenic for Autosomal dominant centronuclear myopathy. Review status: criteria provided, single submitter. Criteria: ACMG Guidelines, 2015. Collection method: clinical testing. Allele origin: de novo. Affected: yes. Not counted in ClinVar's aggregate classification.

Laboratory of Molecular Genetics (Pr. Bezieau's lab), CHU de Nantes
Classification: Pathogenic. Last evaluated: 2016-12-12. Review status: no assertion criteria provided. Collection method: clinical testing. Allele origin: germline. Affected: yes. Not counted in ClinVar's aggregate classification.

Inherited Neuropathy Consortium Ii, University Of Miami
Classification: Uncertain significance for Charcot-Marie-Tooth disease dominant intermediate B. Last evaluated: 2016-01-06. Review status: no assertion criteria provided. Collection method: literature only. Allele origin: germline. Affected: yes. Not counted in ClinVar's aggregate classification.

OMIM
Classification: Pathogenic for MYOPATHY, CENTRONUCLEAR, 1. Last evaluated: 2007-12-01. Review status: no assertion criteria provided. Collection method: literature only. Allele origin: germline. Not counted in ClinVar's aggregate classification.

Literature cited by the submitters: PubMed 17932957 (cited by 5 submitters); PubMed 20227276 (cited by Labcorp Genetics (formerly Invitae), Labcorp and 3billion); PubMed 22396310 (cited by Labcorp Genetics (formerly Invitae), Labcorp and 3billion); PubMed 20700106 (cited by Labcorp Genetics (formerly Invitae), Labcorp and Rady Children's Institute for Genomic Medicine, Rady Children's Hospital San Diego); PubMed 23338057 (cited by Labcorp Genetics (formerly Invitae), Labcorp and Rady Children's Institute for Genomic Medicine, Rady Children's Hospital San Diego); PubMed 24135484 (cited by Labcorp Genetics (formerly Invitae), Labcorp); PubMed 26199319 (cited by Labcorp Genetics (formerly Invitae), Labcorp); PubMed 25957634 (cited by Labcorp Genetics (formerly Invitae), Labcorp); PubMed 36324371 (cited by Rady Children's Institute for Genomic Medicine, Rady Children's Hospital San Diego); PubMed 30208955 (cited by Rady Children's Institute for Genomic Medicine, Rady Children's Hospital San Diego); PubMed 34595679 (cited by Rady Children's Institute for Genomic Medicine, Rady Children's Hospital San Diego); PubMed 32809972 (cited by Rady Children's Institute for Genomic Medicine, Rady Children's Hospital San Diego); PubMed 32860008 (cited by CENTOGENE GmbH and LLC - Guiding Precision Medicine).

NM_001005361.3(DNM2):c.1856C>T (p.Ser619Leu)

Gene: DNM2 (dynamin 2; plus strand). Cytogenetic location: 19p13.2.
Variant type: single nucleotide variant.
Coding change: c.1856C>T on transcript NM_001005361.3 (MANE Select); coding-DNA position 1856, C replaced by T.
Protein change: p.Ser619Leu; replaces serine 619 with leucine.
Molecular consequence: missense variant.
Genome position (GRCh38, 1-based): chr19:10,823,862, C>T. VCF-style: chr19-10823862-C-T. GRCh37 (hg19) VCF-style: chr19-10934538-C-T.
Other names: NM_001005361.3(DNM2):c.1856C>T; c.1856C>T (NM_001005361.2); c.1856C>T, p.Ser619Leu (NM_001005360.3, NM_001190716.2); c.1844C>T, p.Ser615Leu (NM_001005362.3, NM_004945.4); short protein forms S619L, S615L.
Identifiers: ClinVar variation 7285 (VCV000007285.25), dbSNP rs121909095, ClinGen allele CA172110.